The following is an entry in ClinVar:

NM_000170.3(GLDC):c.886C>A (p.Leu296Ile)

Gene: GLDC (glycine decarboxylase; minus strand). Cytogenetic location: 9p24.1.
Variant type: single nucleotide variant.
Coding change: c.886C>A on transcript NM_000170.3 (MANE Select); coding-DNA position 886, C replaced by A.
Protein change: p.Leu296Ile; replaces leucine 296 with isoleucine.
Molecular consequence: missense variant.
Genome position (GRCh38, 1-based): chr9:6,604,760, G>T on the plus strand (C>A on the coding strand, the complement: GLDC is on the minus strand). VCF-style: chr9-6604760-G-T. GRCh37 (hg19) VCF-style: chr9-6604760-G-T.
Other names: short protein forms L296I.
Identifiers: ClinVar variation 913751 (VCV000913751.8), dbSNP rs200413149, ClinGen allele CA4980928.

ClinVar aggregate classification (germline): Uncertain significance. Review status: criteria provided, multiple submitters, no conflicts (2 of 4 stars). 4 submissions from 4 submitters: Uncertain significance (4). Last evaluated 2023-04-26.

Conditions:
Glycine encephalopathy. Also called: Non-ketotic hyperglycinemia; Nonketotic hyperglycinemia. Identifiers: Orphanet 407, MedGen C0751748, MONDO:0011612, HP:0008288.

Allele frequency attached by ClinVar (database versions not stated): gnomAD exomes 0.00002; ExAC 0.00003; gnomAD 0.00005 and 0.00006; TOPMed 0.00007; ESP Exome Variant Server 0.00008; 1000 Genomes Project 30x 0.00016; 1000 Genomes Project 0.00020.
gnomAD v4.1: 138 of 1,614,038 alleles (0.0085%); highest among the groups gnomAD compares: Non-Finnish European, 0.011%; no homozygotes.

Submissions (4):

Blueprint Genetics
Classification: Uncertain significance. Last evaluated: 2023-04-26. Review status: criteria provided, single submitter. Criteria: ACMG Guidelines, 2015. Collection method: clinical testing. Allele origin: germline.

Labcorp Genetics (formerly Invitae), Labcorp
Classification: Uncertain significance for Glycine encephalopathy. Last evaluated: 2022-07-19. Review status: criteria provided, single submitter. Criteria: Invitae Variant Classification Sherloc (09022015). Collection method: clinical testing. Allele origin: germline.
Comment: This sequence change replaces leucine, which is neutral and non-polar, with isoleucine, which is neutral and non-polar, at codon 296 of the GLDC protein (p.Leu296Ile). This variant is present in population databases (rs200413149, gnomAD 0.01%). This variant has not been reported in the literature in individuals affected with GLDC-related conditions. ClinVar contains an entry for this variant (Variation ID: 913751). Algorithms developed to predict the effect of missense changes on protein structure and function are either unavailable or do not agree on the potential impact of this missense change (SIFT: "Deleterious"; PolyPhen-2: "Probably Damaging"; Align-GVGD: "Class C0"). In summary, the available evidence is currently insufficient to determine the role of this variant in disease. Therefore, it has been classified as a Variant of Uncertain Significance.

GeneDx
Classification: Uncertain significance. Last evaluated: 2019-07-10. Review status: criteria provided, single submitter. Criteria: GeneDx Variant Classification Process June 2021. Collection method: clinical testing. Allele origin: germline. Affected: yes.
Comment: Not observed at a significant frequency in large population cohorts (Lek et al., 2016); In silico analysis, which includes protein predictors and evolutionary conservation, supports that this variant does not alter protein structure/function; Has not been previously published as pathogenic or benign to our knowledge

Illumina Laboratory Services, Illumina
Classification: Uncertain significance for Glycine encephalopathy 1. Last evaluated: 2018-01-15. Review status: criteria provided, single submitter. Criteria: ICSL Variant Classification Criteria 13 December 2019. Collection method: clinical testing. Allele origin: germline.